The following is an entry in ClinVar:

NM_019109.5(ALG1):c.539+5G>C

Gene: ALG1 (ALG1 chitobiosyldiphosphodolichol beta-mannosyltransferase; plus strand). Cytogenetic location: 16p13.3.
Variant type: single nucleotide variant.
Coding change: c.539+5G>C on transcript NM_019109.5 (MANE Select); 5 bases into the intron after coding-DNA position 539, G replaced by C.
Molecular consequence: intron variant.
Genome position (GRCh38, 1-based): chr16:5,075,541, G>C. VCF-style: chr16-5075541-G-C. GRCh37 (hg19) VCF-style: chr16-5125542-G-C.
Other names: c.206+5G>C (NM_001330504.2).
Identifiers: ClinVar variation 3662893 (VCV003662893.2).

ClinVar aggregate classification (germline): Uncertain significance (1 of 4 stars; one submission).

Conditions:
ALG1-congenital disorder of glycosylation. Also called: ALG1-CDG; CONGENITAL DISORDER OF GLYCOSYLATION, TYPE Ik; CDG Ik. Identifiers: Orphanet 79327, MedGen C2931005, MONDO:0012052, OMIM 608540.

gnomAD v4.1: 3 of 1,613,896 alleles (0.00019%); highest among the groups gnomAD compares: East Asian, 0.0045%; no homozygotes.

Submission:

Labcorp Genetics (formerly Invitae), Labcorp
Classification: Uncertain significance for ALG1-congenital disorder of glycosylation. Last evaluated: 2024-09-03. Review status: criteria provided, single submitter. Criteria: Invitae Variant Classification Sherloc (09022015). Collection method: clinical testing. Allele origin: germline.
Comment: This sequence change falls in intron 4 of the ALG1 gene. It does not directly change the encoded amino acid sequence of the ALG1 protein. It affects a nucleotide within the consensus splice site. This variant is not present in population databases (gnomAD no frequency). This variant has not been reported in the literature in individuals affected with ALG1-related conditions. Variants that disrupt the consensus splice site are a relatively common cause of aberrant splicing (PMID: 17576681, 9536098). Algorithms developed to predict the effect of sequence changes on RNA splicing suggest that this variant may disrupt the consensus splice site. In summary, the available evidence is currently insufficient to determine the role of this variant in disease. Therefore, it has been classified as a Variant of Uncertain Significance.

Literature cited by the submitters: PubMed 17576681; PubMed 9536098.